The following is an entry in ClinVar:

ClinVar aggregate classification (germline): Uncertain significance (1 of 4 stars; one submission).

Conditions:
Fanconi anemia (FA). Also called: Fanconi's anemia. Identifiers: Orphanet 84, MedGen C0015625, MeSH D005199, MONDO:0019391.

Allele frequency attached by ClinVar (database versions not stated): ExAC 0.00002.
gnomAD v4.1: 9 of 1,613,968 alleles (0.00056%); highest among the groups gnomAD compares: South Asian, 0.0044%; no homozygotes.

Submission:

Sema4
Classification: Uncertain significance for Fanconi anemia. Last evaluated: 2021-12-08. Review status: criteria provided, single submitter. Criteria: Sema4 Curation Guidelines. Collection method: curation. Allele origin: germline.
Comment: The FANCD2 c.905G>A (p.R302Q) variant has not been reported in the literature to our knowledge. It was observed in 3/30604 chromosomes of the South Asian (SAS) subpopulation in the large and broad cohorts of the Genome Aggregation Database (PMID: 32461654). This variant has not been reported in ClinVar. Functional studies have not been performed, and in silico predictions of the variant's effect on protein function are inconclusive. The evidence is insufficient to meet ACMG/AMP criteria for classifying the variant as benign or pathogenic. Thus, the clinical significance of this variant is currently uncertain.

NM_001018115.3(FANCD2):c.905G>A (p.Arg302Gln)

Genes: FANCD2 (FA complementation group D2; plus strand), LOC107303338 (3p25 FANCD2 Alu-mediated recombination region; plus strand). Cytogenetic location: 3p25.3.
Variant type: single nucleotide variant.
Coding change: c.905G>A on transcript NM_001018115.3 (MANE Select); coding-DNA position 905, G replaced by A.
Protein change: p.Arg302Gln; replaces arginine 302 with glutamine.
Molecular consequence: missense variant.
Genome position (GRCh38, 1-based): chr3:10,043,066, G>A. VCF-style: chr3-10043066-G-A. GRCh37 (hg19) VCF-style: chr3-10084750-G-A.
Other names: c.905G>A, p.Arg302Gln (NM_001319984.2, NM_001374253.1, NM_001374254.1 and 1 more transcripts); short protein forms R302Q.
Identifiers: ClinVar variation 1692058 (VCV001692058.1), dbSNP rs755797932, ClinGen allele CA2249412.
Genomic context (GRCh38, chr3:10,043,066, plus strand): 5'-CTATGAATGAGCAGAAAACCATAGCTAATATTTACTTTCTGCAGGTAATTTCTGAGCTTC[G>A]GGAGAAGTTGGATCTGCAGCATTGTGTTTTGCCATCACGGTTACAGGCTTCCCAAGTAAA-3'
Protein context (NP_001018125.1, residues 292-312): MDTLEVISEL[Arg302Gln]EKLDLQHCVL